The following is an entry in ClinVar:

NM_000038.6(APC):c.8361C>T (p.Asn2787=)

Gene: APC (APC regulator of Wnt signaling pathway; plus strand). Cytogenetic location: 5q22.2.
Variant type: single nucleotide variant.
Coding change: c.8361C>T on transcript NM_000038.6 (MANE Select); coding-DNA position 8361, C replaced by T.
Protein change: p.Asn2787=; no amino-acid change (asparagine 2787 retained).
Molecular consequence: synonymous variant. On other transcripts: non-coding transcript variant (2).
Genome position (GRCh38, 1-based): chr5:112,843,955, C>T. VCF-style: chr5-112843955-C-T. GRCh37 (hg19) VCF-style: chr5-112179652-C-T.
Other names: c.8361C>T, p.Asn2787= (NM_001127510.3, NM_001354895.2, NM_001407450.1); c.8307C>T, p.Asn2769= (NM_001127511.3); c.8415C>T, p.Asn2805= (NM_001354896.2, NM_001407447.1, NM_001407448.1 and 1 more transcripts); c.8391C>T, p.Asn2797= (NM_001354897.2); c.8286C>T, p.Asn2762= (NM_001354898.2); c.8277C>T, p.Asn2759= (NM_001354899.2); c.8238C>T, p.Asn2746= (NM_001354900.2); c.8184C>T, p.Asn2728= (NM_001354901.2, NM_001407453.1); and 12 more.
Identifiers: ClinVar variation 3254012 (VCV003254012.2), dbSNP rs2150003975.

ClinVar aggregate classification (germline): Benign/Likely benign. Review status: criteria provided, multiple submitters, no conflicts (2 of 4 stars). 2 submissions from 2 submitters: Benign (1); Likely benign (1). Last evaluated 2025-02-06.

Conditions:
Hereditary cancer-predisposing syndrome. Also called: Hereditary neoplastic syndrome; Neoplastic Syndromes, Hereditary; Tumor predisposition; Hereditary Cancer Syndrome. Identifiers: Orphanet 140162, MedGen C0027672, MeSH D009386, MONDO:0015356.
Familial adenomatous polyposis 1 (FAP1). Also called: POLYPOSIS, ADENOMATOUS INTESTINAL; FAMILIAL ADENOMATOUS POLYPOSIS 1, ATTENUATED. Identifiers: MedGen C2713442, MONDO:0021056, OMIM 175100. Disease mechanism: loss of function.

gnomAD v4.1: 1 of 1,607,434 alleles (0.000062%); highest among the groups gnomAD compares: South Asian, 0.0011%; no homozygotes.

Submissions (2):

Ambry Genetics
Classification: Likely benign for Hereditary cancer-predisposing syndrome. Last evaluated: 2025-02-06. Review status: criteria provided, single submitter. Criteria: Ambry Variant Classification Scheme 2023. Collection method: clinical testing. Allele origin: germline.

Myriad Genetics, Inc.
Classification: Benign for Familial adenomatous polyposis 1. Last evaluated: 2024-04-15. Review status: criteria provided, single submitter. Criteria: Myriad Autosomal Dominant, Autosomal Recessive and X-Linked Classification Criteria (2023). Collection method: clinical testing. Allele origin: unknown.
Comment: This variant is considered benign. This variant is a silent/synonymous amino acid change and it is not expected to impact splicing.